The following is an entry in ClinVar:

NM_018489.3(ASH1L):c.8765T>A (p.Ile2922Asn)

Gene: ASH1L (ASH1 like histone lysine methyltransferase; minus strand). Cytogenetic location: 1q22.
Variant type: single nucleotide variant.
Coding change: c.8765T>A on transcript NM_018489.3 (MANE Select); coding-DNA position 8765, T replaced by A.
Protein change: p.Ile2922Asn; replaces isoleucine 2922 with asparagine.
Molecular consequence: missense variant.
Genome position (GRCh38, 1-based): chr1:155,338,127, A>T on the plus strand (T>A on the coding strand, the complement: ASH1L is on the minus strand). VCF-style: chr1-155338127-A-T. GRCh37 (hg19) VCF-style: chr1-155307918-A-T.
Other names: c.8780T>A, p.Ile2927Asn (NM_001366177.2); short protein forms I2922N, I2927N.
Identifiers: ClinVar variation 3603288 (VCV003603288.1).

ClinVar aggregate classification (germline): Uncertain significance (1 of 4 stars; one submission).

Conditions:
Intellectual developmental disorder, autosomal dominant 52. Also called: Intellectual disability, autosomal dominant 52; Mental retardation, autosomal dominant 52. Identifiers: MedGen C4540478, MONDO:0030918, OMIM 617796.

Submission:

Neuberg Centre For Genomic Medicine, NCGM
Classification: Uncertain significance for Intellectual developmental disorder, autosomal dominant 52. Review status: criteria provided, single submitter. Criteria: ACMG Guidelines, 2015. Collection method: clinical testing. Allele origin: germline. Inheritance: Autosomal dominant inheritance. Affected: yes.
Comment: The observed missense c.8765T>A (p.Ile2922Asn) variant in ASH1L gene has not been reported previously as a pathogenic variant nor as a benign variant, to our knowledge. The p.Ile2922Asn variant is absent in gnomAD Exomes. This variant has not been submitted to the ClinVar database. Multiple lines of computational evidence (Polyphen - Probably damaging, SIFT – Damaging and Mutation Taster - Disease causing) predict a damaging effect on protein structure and function for this variant. The reference amino acid at this position on ASH1L gene is predicted as conserved by GERP++ and PhyloP across 100 vertebrates. The amino acid Ile at position 2922 is changed to a Asn changing protein sequence and it might alter its composition and physico-chemical properties. For these reasons, this variant has been classified as Variant of Uncertain Significance (VUS).